The following continues an entry in ClinVar:

NM_000540.3(RYR1):c.5036G>A (p.Arg1679His)

Gene: RYR1. ClinVar aggregate classification (germline): Likely benign. Likely benign (1).

Submissions 15 to 19 of 19:

PreventionGenetics, part of Exact Sciences
Classification: Uncertain significance. Last evaluated: 2016-07-19. Review status: criteria provided, single submitter. Criteria: ACMG Guidelines, 2015. Collection method: clinical testing. Allele origin: germline. Not counted in ClinVar's aggregate classification.

Eurofins Ntd Llc (ga)
Classification: Uncertain significance. Last evaluated: 2015-06-24. Review status: criteria provided, single submitter. Criteria: EGL Classification Definitions 2015. Collection method: clinical testing. Allele origin: germline. Observed: 1 variant allele, 1 heterozygote. Not counted in ClinVar's aggregate classification.

CSER _CC_NCGL, University of Washington
Classification: Likely benign for Malignant Hyperthermia. Last evaluated: 2015-03-11. Review status: criteria provided, single submitter. Criteria: Amendola et al. (Genome Res. 2015). Collection method: research. Allele origin: germline. Inheritance: Autosomal dominant inheritance. Study: CSER - NEXT Medicine variant annotation. Not counted in ClinVar's aggregate classification.

Biesecker Lab/Clinical Genomics Section, National Institutes of Health
Classification: Likely benign for Malignant hyperthermia, susceptibility to, 1. Last evaluated: 2013-07-01. Review status: criteria provided, single submitter. Criteria: Gonsalves et al. 2013. Collection method: research. Allele origin: unknown. Observed: 2 variant alleles. Study: ClinSeq. Not counted in ClinVar's aggregate classification.
Comment: The study set was not selected for affection status in relation to any myopathy. Pathogenicity categories were based on literature curation. See Pubmed ID: 24195946 for details.

CSER _CC_NCGL, University of Washington
Classification: Likely benign for Malignant hyperthermia. Last evaluated: 2014-06-01. Review status: no assertion criteria provided. Collection method: research. Allele origin: germline. Inheritance: Autosomal dominant inheritance. Study: ESP 6500 variant annotation. Not counted in ClinVar's aggregate classification.
Comment: Variants classified for the Actionable exomic incidental findings in 6503 participants: challenges of variant classification manuscript

Literature cited by the submitters: PubMed 20142353 (cited by Mayo Clinic Laboratories, Mayo Clinic and Illumina Laboratory Services, Illumina); PubMed 21965348 (cited by Mayo Clinic Laboratories, Mayo Clinic and Illumina Laboratory Services, Illumina); PubMed 23919265 (cited by Mayo Clinic Laboratories, Mayo Clinic); PubMed 24055113 (cited by Mayo Clinic Laboratories, Mayo Clinic); PubMed 24195946 (cited by Mayo Clinic Laboratories, Mayo Clinic); PubMed 25637381 (cited by Mayo Clinic Laboratories, Mayo Clinic); PubMed 25985138 (cited by Mayo Clinic Laboratories, Mayo Clinic); PubMed 26332594 (cited by Mayo Clinic Laboratories, Mayo Clinic); PubMed 27153395 (cited by Mayo Clinic Laboratories, Mayo Clinic); PubMed 30325262 (cited by Mayo Clinic Laboratories, Mayo Clinic); PubMed 30611313 (cited by Mayo Clinic Laboratories, Mayo Clinic); PubMed 31517061 (cited by Mayo Clinic Laboratories, Mayo Clinic); PubMed 36833224 (cited by Mayo Clinic Laboratories, Mayo Clinic).